The following is an entry in ClinVar:

NM_002317.7(LOX):c.87_88delinsTT (p.Gln29_Gln30delinsHisTer)

Genes: LOX (lysyl oxidase; minus strand), SRFBP1 (serum response factor binding protein 1; plus strand). Cytogenetic location: 5q23.1.
Variant type: Indel.
Coding change: c.87_88delinsTT on transcript NM_002317.7 (MANE Select); coding-DNA positions 87 to 88, GC replaced by TT.
Protein change: p.Gln29_Gln30delinsHisTer.
Molecular consequence: nonsense.
Genome position (GRCh38, 1-based): chr5:122,077,898-122,077,899, GC replaced by AA on the plus strand (GC replaced by TT on the coding strand, the reverse complement: LOX is on the minus strand). VCF-style: chr5-122077898-GC-AA. GRCh37 (hg19) VCF-style: chr5-121413593-GC-AA.
Identifiers: ClinVar variation 2746979 (VCV002746979.3), dbSNP rs2532918333, ClinGen allele CA2697546432.

ClinVar aggregate classification (germline): Pathogenic (1 of 4 stars; one submission).

Submission:

Labcorp Genetics (formerly Invitae), Labcorp
Classification: Pathogenic. Last evaluated: 2024-12-03. Review status: criteria provided, single submitter. Criteria: Invitae Variant Classification Sherloc (09022015). Collection method: clinical testing. Allele origin: germline.
Comment: This sequence change creates a premature translational stop signal (p.Gln29_Gln30delinsHis*) in the LOX gene. It is expected to result in an absent or disrupted protein product. Loss-of-function variants in LOX are known to be pathogenic (PMID: 12417550, 26838787, 27432961). Information on the frequency of this variant in the gnomAD database is not available, as this variant may be reported differently in the database. This variant has not been reported in the literature in individuals affected with LOX-related conditions. ClinVar contains an entry for this variant (Variation ID: 2746979). For these reasons, this variant has been classified as Pathogenic.

Literature cited by the submitters: PubMed 12417550; PubMed 26838787; PubMed 27432961.